The following is an entry in ClinVar:

NM_198859.4(PRICKLE2):c.2246C>T (p.Pro749Leu)

Genes: PRICKLE2 (prickle planar cell polarity protein 2; minus strand), PRICKLE2-AS1 (PRICKLE2 antisense RNA 1; plus strand). Cytogenetic location: 3p14.1.
Variant type: single nucleotide variant.
Coding change: c.2246C>T on transcript NM_198859.4 (MANE Select); coding-DNA position 2246, C replaced by T.
Protein change: p.Pro749Leu; replaces proline 749 with leucine.
Molecular consequence: missense variant. On other transcripts: non-coding transcript variant (1).
Genome position (GRCh38, 1-based): chr3:64,099,340, G>A on the plus strand (C>T on the coding strand, the complement: PRICKLE2 is on the minus strand). VCF-style: chr3-64099340-G-A. GRCh37 (hg19) VCF-style: chr3-64085016-G-A.
Other names: c.2246C>T, p.Pro749Leu (NM_001370528.1); c.2246C>T (NM_198859.3); short protein forms P749L.
Identifiers: ClinVar variation 1341805 (VCV001341805.10), dbSNP rs762399074, ClinGen allele CA2479471.

ClinVar aggregate classification (germline): Uncertain significance. Review status: criteria provided, multiple submitters, no conflicts (2 of 4 stars). 3 submissions from 3 submitters: Uncertain significance (3). Last evaluated 2024-10-15.

Conditions:
Progressive myoclonic epilepsy type 5. Identifiers: Orphanet 402082, MedGen C5190799.
Myoclonic epilepsy. Identifiers: MedGen C0014550, MONDO:0100577.

Allele frequency attached by ClinVar (database versions not stated): gnomAD exomes below 0.00001; ExAC 0.00001; gnomAD 0.00001; TOPMed 0.00003.
gnomAD v4.1: 7 of 1,614,098 alleles (0.00043%); highest among the groups gnomAD compares: Admixed American, 0.0017%; no homozygotes.

Submissions (3):

Labcorp Genetics (formerly Invitae), Labcorp
Classification: Uncertain significance for Progressive myoclonic epilepsy type 5. Last evaluated: 2024-10-15. Review status: criteria provided, single submitter. Criteria: Invitae Variant Classification Sherloc (09022015). Collection method: clinical testing. Allele origin: germline.
Comment: This sequence change replaces proline, which is neutral and non-polar, with leucine, which is neutral and non-polar, at codon 749 of the PRICKLE2 protein (p.Pro749Leu). This variant is present in population databases (rs762399074, gnomAD 0.002%). This variant has not been reported in the literature in individuals affected with PRICKLE2-related conditions. ClinVar contains an entry for this variant (Variation ID: 1341805). Invitae Evidence Modeling of protein sequence and biophysical properties (such as structural, functional, and spatial information, amino acid conservation, physicochemical variation, residue mobility, and thermodynamic stability) indicates that this missense variant is not expected to disrupt PRICKLE2 protein function with a negative predictive value of 80%. In summary, the available evidence is currently insufficient to determine the role of this variant in disease. Therefore, it has been classified as a Variant of Uncertain Significance.

Ambry Genetics
Classification: Uncertain significance. Last evaluated: 2024-08-27. Review status: criteria provided, single submitter. Criteria: Ambry Variant Classification Scheme 2023. Collection method: clinical testing. Allele origin: germline.

New York Genome Center
Classification: Uncertain significance for Myoclonic epilepsy. Last evaluated: 2020-06-05. Review status: criteria provided, single submitter. Criteria: NYGC Assertion Criteria 2020. Collection method: clinical testing. Allele origin: germline. Observed: 1 heterozygote. Study: CSER-NYCKidSeq.